The following is an entry in ClinVar:

NM_000465.4(BARD1):c.495C>T (p.Thr165=)

Gene: BARD1 (BRCA1 associated RING domain 1; minus strand). Cytogenetic location: 2q35.
Variant type: single nucleotide variant.
Coding change: c.495C>T on transcript NM_000465.4 (MANE Select); coding-DNA position 495, C replaced by T.
Protein change: p.Thr165=; no amino-acid change (threonine 165 retained).
Molecular consequence: synonymous variant. On other transcripts: non-coding transcript variant (2), intron variant (3).
Genome position (GRCh38, 1-based): chr2:214,781,379, G>A on the plus strand (C>T on the coding strand, the complement: BARD1 is on the minus strand). VCF-style: chr2-214781379-G-A. GRCh37 (hg19) VCF-style: chr2-215646103-G-A.
Other names: c.438C>T, p.Thr146= (NM_001282543.2); c.158+28033C>T (NM_001282548.2); c.215+15682C>T (NM_001282545.2); c.364+10918C>T (NM_001282549.2).
Identifiers: ClinVar variation 1744388 (VCV001744388.6), dbSNP rs1574821249, ClinGen allele CA431135814.

ClinVar aggregate classification (germline): Benign/Likely benign. Review status: criteria provided, multiple submitters, no conflicts (2 of 4 stars). 3 submissions from 3 submitters: Benign (1); Likely benign (2). Last evaluated 2024-07-22.

Conditions:
Hereditary cancer-predisposing syndrome. Also called: Hereditary Cancer Syndrome; Neoplastic Syndromes, Hereditary; Tumor predisposition; Hereditary neoplastic syndrome. Identifiers: Orphanet 140162, MedGen C0027672, MeSH D009386, MONDO:0015356.
Familial cancer of breast. Also called: BREAST CANCER, FAMILIAL; Hereditary breast cancer; hereditary breast carcinoma. Identifiers: Orphanet 227535, MedGen C0346153, MONDO:0016419, OMIM 114480. Disease mechanism: loss of function.

Submissions (3):

Myriad Genetics, Inc.
Classification: Benign for Familial cancer of breast. Last evaluated: 2024-07-22. Review status: criteria provided, single submitter. Criteria: Myriad Autosomal Dominant, Autosomal Recessive and X-Linked Classification Criteria (2023). Collection method: clinical testing. Allele origin: unknown.
Comment: This variant is considered benign. This variant is a silent/synonymous amino acid change and it is not expected to impact splicing.

Labcorp Genetics (formerly Invitae), Labcorp
Classification: Likely benign for Familial cancer of breast. Last evaluated: 2023-12-31. Review status: criteria provided, single submitter. Criteria: Invitae Variant Classification Sherloc (09022015). Collection method: clinical testing. Allele origin: germline.

Ambry Genetics
Classification: Likely benign for Hereditary cancer-predisposing syndrome. Last evaluated: 2021-10-19. Review status: criteria provided, single submitter. Criteria: Ambry Variant Classification Scheme 2023. Collection method: clinical testing. Allele origin: germline.